The following is an entry in ClinVar:

ClinVar aggregate classification (germline): Pathogenic/Likely pathogenic. Review status: criteria provided, multiple submitters, no conflicts (2 of 4 stars). 2 submissions from 2 submitters: Pathogenic (1); Likely pathogenic (1). Last evaluated 2025-04-07.

Conditions:
Hereditary cancer-predisposing syndrome. Also called: Hereditary Cancer Syndrome; Neoplastic Syndromes, Hereditary; Hereditary neoplastic syndrome; Tumor predisposition. Identifiers: Orphanet 140162, MedGen C0027672, MeSH D009386, MONDO:0015356.

Submissions (2):

Quest Diagnostics Nichols Institute San Juan Capistrano
Classification: Likely pathogenic. Last evaluated: 2025-04-07. Review status: criteria provided, single submitter. Criteria: Quest Diagnostics criteria. Collection method: clinical testing. Allele origin: unknown.
Comment: The PTCH1 c.2598del (p.Ile868Serfs*35) variant alters the translational reading frame of the PTCH1 mRNA and is predicted to cause the premature termination of PTCH1 protein synthesis. This variant has not been reported in individuals with PTCH1-related conditions in the published literature. This variant has not been reported in large, multi-ethnic general populations (Genome Aggregation Database). Based on the available information, this variant is classified as likely pathogenic.

Ambry Genetics
Classification: Pathogenic for Hereditary cancer-predisposing syndrome. Last evaluated: 2015-01-14. Review status: criteria provided, single submitter. Criteria: Ambry Variant Classification Scheme 2023. Collection method: clinical testing. Allele origin: germline.
Comment: The c.2598delG pathogenic mutation, located in coding exon 16 of the PTCH1 gene, results from a deletion of one nucleotide at position 2598, causing a translational frameshift with a predicted alternate stop codon. Since frameshifts are typically deleterious in nature, this alteration is interpreted as a disease-causing mutation (ACMG Recommendations for Standards for Interpretation and Reporting of Sequence Variations. Revision 2007. Genet Med. 2008;10:294).

NM_000264.5(PTCH1):c.2598del (p.Ile868fs)

Gene: PTCH1 (patched 1; minus strand). Cytogenetic location: 9q22.32.
Variant type: Deletion.
Coding change: c.2598del on transcript NM_000264.5 (MANE Select); coding-DNA position 2598, one base deleted (G; older notation c.2598delG).
Protein change: p.Ile868fs; shifts the reading frame from isoleucine 868.
Molecular consequence: frameshift variant. On other transcripts: non-coding transcript variant (1).
Genome position (GRCh38, 1-based): chr9:95,461,961, C deleted on the plus strand (G on the coding strand, the reverse complement: PTCH1 is on the minus strand); the first of 3 consecutive C bases (chr9:95,461,961-95,461,963); deleting any one gives the same sequence. VCF-style (leftmost placement, unchanged base first): chr9-95461960-TC-T. GRCh37 (hg19) VCF-style: chr9-98224242-TC-T.
Other names: c.2400del, p.Ile802fs (NM_001083602.3); c.2595del, p.Ile867fs (NM_001083603.3); c.2145del, p.Ile717fs (NM_001083604.3, NM_001083605.3, NM_001083606.3 and 1 more transcripts); c.2442del, p.Ile816fs (NM_001354918.2); c.2598del (NM_000264.4); short protein forms I816fs, I868fs, I717fs, I802fs, I867fs.
Identifiers: ClinVar variation 428825 (VCV000428825.6), dbSNP rs1131690975, ClinGen allele CA645369409.